The following is an entry in ClinVar:

ClinVar aggregate classification (germline): Uncertain significance (1 of 4 stars; one submission).

Conditions:
Inborn genetic diseases. Identifiers: MedGen C0950123, MeSH D030342.

Submission:

Ambry Genetics
Classification: Uncertain significance for Inborn genetic diseases. Last evaluated: 2022-02-26. Review status: criteria provided, single submitter. Criteria: Ambry Variant Classification Scheme 2023. Collection method: clinical testing. Allele origin: germline.
Comment: Based on insufficient or conflicting evidence, the clinical significance of this alteration remains unclear.

NM_001083961.2(WDR62):c.1233+3_1233+4insGGGGGGGGGG

Gene: WDR62 (WD repeat domain 62; plus strand). Cytogenetic location: 19q13.12.
Variant type: Insertion.
Coding change: c.1233+3_1233+4insGGGGGGGGGG on transcript NM_001083961.2 (MANE Select); bases 3 to 4 of the intron after coding-DNA position 1233, GGGGGGGGGG inserted.
Molecular consequence: intron variant.
Genome position: GRCh38 VCF-style: chr19-36073533-T-TGGGGGGGGGG. GRCh37 (hg19) VCF-style: chr19-36564435-T-TGGGGGGGGGG.
Other names: c.1233+3_1233+4insGGGGGGGGGG (NM_173636.5).
Identifiers: ClinVar variation 2223277 (VCV002223277.2), dbSNP rs1971411541, ClinGen allele CA2580096857.
Genomic context (GRCh38, chr19:36,073,533, plus strand): 5'-ACAGAGTGGGCAAGGTGTGGTCAGAGCTCTTCCACAGCTCCTACGTTTGGAACGTGGAGG[T>TGGGGGGGGGG]GAGCCCCCCCCCCACCCCCTTGCCCCTGCTTGGCCTCTGCACAGTTCCCCACAGTTTGGG-3'